The following is an entry in ClinVar:

NM_001371986.1(UNC80):c.2017T>C (p.Cys673Arg)

Gene: UNC80 (unc-80 subunit of NALCN channel complex; plus strand). Cytogenetic location: 2q34.
Variant type: single nucleotide variant.
Coding change: c.2017T>C on transcript NM_001371986.1 (MANE Select); coding-DNA position 2017, T replaced by C.
Protein change: p.Cys673Arg; replaces cysteine 673 with arginine.
Molecular consequence: missense variant.
Genome position (GRCh38, 1-based): chr2:209,820,365, T>C. VCF-style: chr2-209820365-T-C. GRCh37 (hg19) VCF-style: chr2-210685089-T-C.
Other names: c.2017T>C, p.Cys673Arg (NM_032504.2, NM_182587.4); short protein forms C673R.
Identifiers: ClinVar variation 2014566 (VCV002014566.4), dbSNP rs2470970316, ClinGen allele CA350136317.

ClinVar aggregate classification (germline): Uncertain significance (1 of 4 stars; one submission).

Submission:

Labcorp Genetics (formerly Invitae), Labcorp
Classification: Uncertain significance. Last evaluated: 2021-11-28. Review status: criteria provided, single submitter. Criteria: Invitae Variant Classification Sherloc (09022015). Collection method: clinical testing. Allele origin: germline.
Comment: In summary, the available evidence is currently insufficient to determine the role of this variant in disease. Therefore, it has been classified as a Variant of Uncertain Significance. Algorithms developed to predict the effect of missense changes on protein structure and function are either unavailable or do not agree on the potential impact of this missense change (SIFT: "Not Available"; PolyPhen-2: "Probably Damaging"; Align-GVGD: "Not Available"). This variant has not been reported in the literature in individuals affected with UNC80-related conditions. This variant is not present in population databases (gnomAD no frequency). This sequence change replaces cysteine, which is neutral and slightly polar, with arginine, which is basic and polar, at codon 673 of the UNC80 protein (p.Cys673Arg).